The following is an entry in ClinVar:

ClinVar aggregate classification (germline): Uncertain significance (1 of 4 stars; one submission).

Allele frequency attached by ClinVar (database versions not stated): ExAC 0.00002.
gnomAD v4.1: 3 of 1,602,424 alleles (0.00019%); highest among the groups gnomAD compares: Non-Finnish European, 0.00026%; no homozygotes.

Submission:

Labcorp Genetics (formerly Invitae), Labcorp
Classification: Uncertain significance. Last evaluated: 2022-10-28. Review status: criteria provided, single submitter. Criteria: Invitae Variant Classification Sherloc (09022015). Collection method: clinical testing. Allele origin: germline.
Comment: This sequence change replaces alanine, which is neutral and non-polar, with serine, which is neutral and polar, at codon 919 of the MYO7A protein (p.Ala919Ser). The frequency data for this variant in the population databases is considered unreliable, as metrics indicate poor data quality at this position in the gnomAD database. This variant has not been reported in the literature in individuals affected with MYO7A-related conditions. ClinVar contains an entry for this variant (Variation ID: 1004121). Advanced modeling of protein sequence and biophysical properties (such as structural, functional, and spatial information, amino acid conservation, physicochemical variation, residue mobility, and thermodynamic stability) performed at Invitae indicates that this missense variant is not expected to disrupt MYO7A protein function. In summary, the available evidence is currently insufficient to determine the role of this variant in disease. Therefore, it has been classified as a Variant of Uncertain Significance.

NM_000260.4(MYO7A):c.2755G>T (p.Ala919Ser)

Gene: MYO7A (myosin VIIA; plus strand). Cytogenetic location: 11q13.5.
Variant type: single nucleotide variant.
Coding change: c.2755G>T on transcript NM_000260.4 (MANE Select); coding-DNA position 2755, G replaced by T.
Protein change: p.Ala919Ser; replaces alanine 919 with serine.
Molecular consequence: missense variant.
Genome position (GRCh38, 1-based): chr11:77,181,440, G>T. VCF-style: chr11-77181440-G-T. GRCh37 (hg19) VCF-style: chr11-76892486-G-T.
Other names: c.2755G>T, p.Ala919Ser (NM_001127180.2); c.2722G>T, p.Ala908Ser (NM_001369365.1); short protein forms A908S, A919S.
Identifiers: ClinVar variation 1004121 (VCV001004121.10), dbSNP rs782787324, ClinGen allele CA6197924.